The following is an entry in ClinVar:

ClinVar aggregate classification (germline): Likely pathogenic (1 of 4 stars; one submission).

Conditions:
Inborn genetic diseases. Identifiers: MedGen C0950123, MeSH D030342.

gnomAD v4.1: 2 of 1,613,884 alleles (0.00012%); highest among the groups gnomAD compares: Non-Finnish European, 0.000085%; no homozygotes.

Submission:

Ambry Genetics
Classification: Likely pathogenic for Inborn genetic diseases. Last evaluated: 2025-07-02. Review status: criteria provided, single submitter. Criteria: Ambry Variant Classification Scheme 2023. Collection method: clinical testing. Allele origin: germline.
Comment: The c.644+1G>A intronic variant results from a G to A substitution one nucleotide after coding exon 7 of the DDX41 gene. This variant was reported in individual(s) with features consistent with DDX1-related hematologic malignancy predisposition syndrome (Bluteau O et al. Blood, 2018 Feb;131:717-732; S&eacute;bert M et al. Blood, 2019 Oct;134:1441-1444). This variant is considered to be rare based on population cohorts in the Genome Aggregation Database (gnomAD). This nucleotide position is highly conserved in available vertebrate species. In silico splice site analysis predicts that this alteration will weaken the native splice donor site. Alterations that disrupt the canonical splice site are expected to cause aberrant splicing, resulting in an abnormal protein or a transcript that is subject to nonsense-mediated mRNA decay. As such, this alteration is classified as likely pathogenic.

Literature cited by the submitters: PubMed 29146883; PubMed 31484648.

NM_016222.4(DDX41):c.644+1G>A

Gene: DDX41 (DEAD-box helicase 41; minus strand). Cytogenetic location: 5q35.3.
Variant type: single nucleotide variant.
Coding change: c.644+1G>A on transcript NM_016222.4 (MANE Select); the canonical splice donor site of the intron after coding-DNA position 644, G replaced by A.
Molecular consequence: splice donor variant.
Genome position (GRCh38, 1-based): chr5:177,515,185, C>T on the plus strand (G>A on the coding strand, the complement: DDX41 is on the minus strand). VCF-style: chr5-177515185-C-T. GRCh37 (hg19) VCF-style: chr5-176942186-C-T.
Other names: c.266+1G>A (NM_001321830.2, NM_001321732.2).
Identifiers: ClinVar variation 4238724 (VCV004238724.1).